The following is an entry in ClinVar:

NM_004329.3(BMPR1A):c.652A>G (p.Ser218Gly)

Gene: BMPR1A (bone morphogenetic protein receptor type 1A; plus strand). Cytogenetic location: 10q23.2.
Variant type: single nucleotide variant.
Coding change: c.652A>G on transcript NM_004329.3 (MANE Select); coding-DNA position 652, A replaced by G.
Protein change: p.Ser218Gly; replaces serine 218 with glycine.
Molecular consequence: missense variant.
Genome position (GRCh38, 1-based): chr10:86,912,361, A>G. VCF-style: chr10-86912361-A-G. GRCh37 (hg19) VCF-style: chr10-88672118-A-G.
Other names: short protein forms S218G.
Identifiers: ClinVar variation 577808 (VCV000577808.19), dbSNP rs1564721996, ClinGen allele CA377455084.

ClinVar aggregate classification (germline): Uncertain significance. Review status: criteria provided, multiple submitters, no conflicts (2 of 4 stars). 4 submissions from 4 submitters: Uncertain significance (4). Last evaluated 2025-07-19.

Conditions:
Hereditary cancer-predisposing syndrome. Also called: Hereditary neoplastic syndrome; Tumor predisposition; Hereditary Cancer Syndrome; Neoplastic Syndromes, Hereditary. Identifiers: Orphanet 140162, MedGen C0027672, MeSH D009386, MONDO:0015356.
Juvenile polyposis syndrome (JPS). Identifiers: Orphanet 2929, MedGen C0345893, MONDO:0017380, OMIM 174900.

Submissions (4):

Ambry Genetics
Classification: Uncertain significance for Hereditary cancer-predisposing syndrome. Last evaluated: 2025-07-19. Review status: criteria provided, single submitter. Criteria: Ambry Variant Classification Scheme 2023. Collection method: clinical testing. Allele origin: germline.
Comment: The p.S218G variant (also known as c.652A>G), located in coding exon 6 of the BMPR1A gene, results from an A to G substitution at nucleotide position 652. The serine at codon 218 is replaced by glycine, an amino acid with similar properties. This amino acid position is highly conserved in available vertebrate species. In addition, the in silico prediction for this alteration is inconclusive. Since supporting evidence is limited at this time, the clinical significance of this alteration remains unclear.

Labcorp Genetics (formerly Invitae), Labcorp
Classification: Uncertain significance for Juvenile polyposis syndrome. Last evaluated: 2024-06-15. Review status: criteria provided, single submitter. Criteria: Invitae Variant Classification Sherloc (09022015). Collection method: clinical testing. Allele origin: germline.
Comment: This sequence change replaces serine, which is neutral and polar, with glycine, which is neutral and non-polar, at codon 218 of the BMPR1A protein (p.Ser218Gly). This variant is not present in population databases (gnomAD no frequency). This variant has not been reported in the literature in individuals affected with BMPR1A-related conditions. ClinVar contains an entry for this variant (Variation ID: 577808). Advanced modeling of protein sequence and biophysical properties (such as structural, functional, and spatial information, amino acid conservation, physicochemical variation, residue mobility, and thermodynamic stability) has been performed at Invitae for this missense variant, however the output from this modeling did not meet the statistical confidence thresholds required to predict the impact of this variant on BMPR1A protein function. In summary, the available evidence is currently insufficient to determine the role of this variant in disease. Therefore, it has been classified as a Variant of Uncertain Significance.

Color Diagnostics, LLC DBA Color Health
Classification: Uncertain significance for Hereditary cancer-predisposing syndrome. Last evaluated: 2024-03-06. Review status: criteria provided, single submitter. Criteria: ACMG Guidelines, 2015. Collection method: clinical testing. Allele origin: germline.
Comment: This missense variant replaces serine with glycine at codon 218 of the BMPR1A protein. Computational prediction suggests that this variant may have deleterious impact on protein structure and function (internally defined REVEL score threshold >= 0.7, PMID: 27666373). To our knowledge, functional studies have not been reported for this variant. This variant has not been reported in individuals affected with BMPR1A-related disorders in the literature. This variant has not been identified in the general population by the Genome Aggregation Database (gnomAD). The available evidence is insufficient to determine the role of this variant in disease conclusively. Therefore, this variant is classified as a Variant of Uncertain Significance.

All of Us Research Program, National Institutes of Health
Classification: Uncertain significance for Juvenile polyposis syndrome. Last evaluated: 2023-10-02. Review status: criteria provided, single submitter. Criteria: ACMG Guidelines, 2015. Collection method: clinical testing. Allele origin: germline. Inheritance: Autosomal dominant inheritance. Observed: 1 variant allele, 1 heterozygote.
Comment: This missense variant replaces serine with glycine at codon 218 of the BMPR1A protein. Computational prediction tools and conservation analyses suggest that this variant may have deleterious impact on the protein function. Computational splicing tools suggest that this variant may not impact RNA splicing. To our knowledge, functional assays have not been performed for this variant nor has this variant been reported in individuals affected with hereditary cancer in the literature. This variant has not been identified in the general population by the Genome Aggregation Database (gnomAD). Available evidence is insufficient to determine the role of this variant in disease conclusively. Therefore, this variant is classified as a Variant of Uncertain Significance.

This study involves interpretation of variants in research participants for the purpose of population health screening. Participant phenotype was not available at the time of variant classification. Additional details can be found in publication PMID: 35346344, PMCID: PMC8962531